The following is an entry in ClinVar:

NM_001693.4(ATP6V1B2):c.1018C>T (p.Arg340Ter)

Gene: ATP6V1B2 (ATPase H+ transporting V1 subunit B2; plus strand). Cytogenetic location: 8p21.3.
Variant type: single nucleotide variant.
Coding change: c.1018C>T on transcript NM_001693.4 (MANE Select); coding-DNA position 1018, C replaced by T.
Protein change: p.Arg340Ter; replaces arginine 340 with a stop codon.
Molecular consequence: nonsense.
Genome position (GRCh38, 1-based): chr8:20,214,908, C>T. VCF-style: chr8-20214908-C-T. GRCh37 (hg19) VCF-style: chr8-20072419-C-T.
Other names: short protein forms R340*.
Identifiers: ClinVar variation 3382980 (VCV003382980.2), dbSNP rs2072836775.

ClinVar aggregate classification (germline): Uncertain significance (1 of 4 stars; one submission).

Conditions:
Autosomal dominant deafness - onychodystrophy syndrome. Also called: Deafness, congenital, with onychodystrophy, autosomal dominant; DDOD SYNDROME. Identifiers: Orphanet 3231, Orphanet 79499, MedGen C2675730, MONDO:0007420, OMIM 124480.
Zimmermann-Laband syndrome 2 (ZLS2). Identifiers: Orphanet 3473, MedGen C4225321, MONDO:0014646, OMIM 616455.

gnomAD v4.1: 1 of 1,613,396 alleles (0.000062%); highest among the groups gnomAD compares: Non-Finnish European, 0.000085%; no homozygotes.

Submission:

Juno Genomics, Hangzhou Juno Genomics, Inc
Classification: Uncertain significance for Autosomal dominant deafness - onychodystrophy syndrome; Zimmermann-Laband syndrome 2. Review status: criteria provided, single submitter. Criteria: ACMG Guidelines, 2015. Collection method: clinical testing. Allele origin: germline. Affected: yes.
Comment: Absent from controls (or at extremely low frequency if recessive) in Genome Aggregation Database, Exome Sequencing Project, 1000 Genomes Project, or Exome Aggregation Consortium.